The following is an entry in ClinVar:

ClinVar aggregate classification (germline): Uncertain significance (1 of 4 stars; one submission).

Allele frequency attached by ClinVar (database versions not stated): gnomAD exomes below 0.00001; TOPMed 0.00001.
gnomAD v4.1: 1 of 1,207,922 alleles (0.000083%); highest among the groups gnomAD compares: East Asian, 0.003%; no homozygotes.

Submission:

Labcorp Genetics (formerly Invitae), Labcorp
Classification: Uncertain significance. Last evaluated: 2024-04-29. Review status: criteria provided, single submitter. Criteria: Invitae Variant Classification Sherloc (09022015). Collection method: clinical testing. Allele origin: germline.
Comment: This sequence change replaces tyrosine, which is neutral and polar, with cysteine, which is neutral and slightly polar, at codon 327 of the PHEX protein (p.Tyr327Cys). This variant is not present in population databases (gnomAD no frequency). This missense change has been observed in individual(s) with hypophosphatemic rickets (PMID: 35842615). ClinVar contains an entry for this variant (Variation ID: 2065053). Advanced modeling of protein sequence and biophysical properties (such as structural, functional, and spatial information, amino acid conservation, physicochemical variation, residue mobility, and thermodynamic stability) has been performed at Invitae for this missense variant, however the output from this modeling did not meet the statistical confidence thresholds required to predict the impact of this variant on PHEX protein function. In summary, the available evidence is currently insufficient to determine the role of this variant in disease. Therefore, it has been classified as a Variant of Uncertain Significance.

Literature cited by the submitters: PubMed 35842615.

NM_000444.6(PHEX):c.980A>G (p.Tyr327Cys)

Gene: PHEX (phosphate regulating endopeptidase X-linked; plus strand). Cytogenetic location: Xp22.11.
Variant type: single nucleotide variant.
Coding change: c.980A>G on transcript NM_000444.6 (MANE Select); coding-DNA position 980, A replaced by G.
Protein change: p.Tyr327Cys; replaces tyrosine 327 with cysteine.
Molecular consequence: missense variant.
Genome position (GRCh38, 1-based): chrX:22,099,052, A>G. VCF-style: chrX-22099052-A-G. GRCh37 (hg19) VCF-style: chrX-22117170-A-G.
Other names: c.980A>G, p.Tyr327Cys (NM_001282754.2); short protein forms Y327C.
Identifiers: ClinVar variation 2065053 (VCV002065053.4), dbSNP rs1257801016, ClinGen allele CA412572836.